The following is an entry in ClinVar:

NM_006231.4(POLE):c.4047G>A (p.Ala1349=)

Gene: POLE (DNA polymerase epsilon, catalytic subunit; minus strand). Cytogenetic location: 12q24.33.
Variant type: single nucleotide variant.
Coding change: c.4047G>A on transcript NM_006231.4 (MANE Select); coding-DNA position 4047, G replaced by A.
Protein change: p.Ala1349=; no amino-acid change (alanine 1349 retained).
Molecular consequence: synonymous variant.
Genome position (GRCh38, 1-based): chr12:132,649,031, C>T on the plus strand (G>A on the coding strand, the complement: POLE is on the minus strand). VCF-style: chr12-132649031-C-T. GRCh37 (hg19) VCF-style: chr12-133225617-C-T.
Identifiers: ClinVar variation 240498 (VCV000240498.51), dbSNP rs201746181, ClinGen allele CA6893013.

ClinVar aggregate classification (germline): Benign/Likely benign. Review status: criteria provided, multiple submitters, no conflicts (2 of 4 stars). 10 submissions from 10 submitters: Benign (2); Likely benign (8). Last evaluated 2026-01-27.

Conditions:
Intrauterine growth retardation, metaphyseal dysplasia, adrenal hypoplasia congenita, genital anomalies, and immunodeficiency. Also called: IMAGEI SYNDROME. Identifiers: MedGen C5193036, MONDO:0032684, OMIM 618336.
Facial dysmorphism-immunodeficiency-livedo-short stature syndrome. Also called: FILS syndrome; Facial dysmorphism, immunodeficiency, livedo, and short stature. Identifiers: Orphanet 352712, MedGen C3554576, MONDO:0014058, OMIM 615139.
Colorectal cancer, susceptibility to, 12 (CRCS12). Also called: COLORECTAL CANCER, SUSCEPTIBILITY TO, ON CHROMOSOME 12q24. Identifiers: Orphanet 220460, MedGen C3554460, MONDO:0014038, OMIM 615083.
Hereditary cancer-predisposing syndrome. Also called: Tumor predisposition; Hereditary Cancer Syndrome; Neoplastic Syndromes, Hereditary; Hereditary neoplastic syndrome. Identifiers: Orphanet 140162, MedGen C0027672, MeSH D009386, MONDO:0015356.

Allele frequency attached by ClinVar (database versions not stated): ExAC 0.00005; gnomAD exomes 0.00006 and 0.00007; ESP Exome Variant Server 0.00008; TOPMed 0.00008; gnomAD 0.00009; 1000 Genomes Project 30x 0.00016; 1000 Genomes Project 0.00020.
gnomAD v4.1: 116 of 1,613,646 alleles (0.0072%); highest among the groups gnomAD compares: Middle Eastern, 0.033%; no homozygotes.

Submissions (10):

Labcorp Genetics (formerly Invitae), Labcorp
Classification: Likely benign. Last evaluated: 2026-01-27. Review status: criteria provided, single submitter. Criteria: Invitae Variant Classification Sherloc (09022015). Collection method: clinical testing. Allele origin: germline.

Center for Genomic Medicine, Rigshospitalet, Copenhagen University Hospital
Classification: Likely benign. Last evaluated: 2025-03-04. Review status: criteria provided, single submitter. Criteria: ACMG Guidelines, 2015. Collection method: clinical testing. Allele origin: germline.

Blueprint Genetics
Classification: Likely benign. Last evaluated: 2024-10-14. Review status: criteria provided, single submitter. Criteria: ACMG Guidelines, 2015. Collection method: clinical testing. Allele origin: germline.

Department of Pathology and Laboratory Medicine, Sinai Health System
Classification: Likely benign for Colorectal cancer, susceptibility to, 12; Facial dysmorphism-immunodeficiency-livedo-short stature syndrome; Intrauterine growth retardation, metaphyseal dysplasia, adrenal hypoplasia congenita, genital anomalies, and immunodeficiency. Last evaluated: 2024-05-28. Review status: criteria provided, single submitter. Criteria: ACMG Guidelines, 2015. Collection method: clinical testing. Allele origin: germline. Affected: yes.

CeGaT Center for Human Genetics Tuebingen
Classification: Likely benign. Last evaluated: 2022-09-01. Review status: criteria provided, single submitter. Criteria: CeGaT Center For Human Genetics Tuebingen Variant Classification Criteria Version 2. Collection method: clinical testing. Allele origin: germline. Affected: yes. Observed: 1 variant allele.
Comment: POLE: BP4, BP7

Women's Health and Genetics/Laboratory Corporation of America, LabCorp
Classification: Benign. Last evaluated: 2019-09-05. Review status: criteria provided, single submitter. Criteria: LabCorp Variant Classification Summary - May 2015. Collection method: clinical testing. Allele origin: germline.

PreventionGenetics, part of Exact Sciences
Classification: Likely benign. Last evaluated: 2017-12-20. Review status: criteria provided, single submitter. Criteria: ACMG Guidelines, 2015. Collection method: clinical testing. Allele origin: germline.

GeneDx
Classification: Likely benign. Last evaluated: 2017-08-27. Review status: criteria provided, single submitter. Criteria: GeneDx Variant Classification (06012015). Collection method: clinical testing. Allele origin: germline. Affected: yes.
Comment: This variant is considered likely benign or benign based on one or more of the following criteria: it is a conservative change, it occurs at a poorly conserved position in the protein, it is predicted to be benign by multiple in silico algorithms, and/or has population frequency not consistent with disease.

Quest Diagnostics Nichols Institute San Juan Capistrano
Classification: Benign. Last evaluated: 2017-07-29. Review status: criteria provided, single submitter. Criteria: Quest Diagnostics criteria. Collection method: clinical testing. Allele origin: germline.

Ambry Genetics
Classification: Likely benign for Hereditary cancer-predisposing syndrome. Last evaluated: 2015-06-24. Review status: criteria provided, single submitter. Criteria: Ambry Variant Classification Scheme 2023. Collection method: clinical testing. Allele origin: germline.